The following is an entry in ClinVar:

ClinVar aggregate classification (germline): Benign/Likely benign. Review status: criteria provided, multiple submitters, no conflicts (2 of 4 stars). 3 submissions from 3 submitters: Benign (1); Likely benign (2). Last evaluated 2025-03-19.

Conditions:
Familial thoracic aortic aneurysm and aortic dissection (TAAD). Also called: Thoracic aortic aneurysms and dissections. Identifiers: Orphanet 91387, MedGen C4707243, MONDO:0019625.
Hereditary cancer-predisposing syndrome. Also called: Neoplastic Syndromes, Hereditary; Hereditary neoplastic syndrome; Hereditary Cancer Syndrome; Tumor predisposition. Identifiers: Orphanet 140162, MedGen C0027672, MeSH D009386, MONDO:0015356.
Juvenile polyposis syndrome (JPS). Identifiers: Orphanet 2929, MedGen C0345893, MONDO:0017380, OMIM 174900.
Juvenile polyposis/hereditary hemorrhagic telangiectasia syndrome (JPHT). Also called: JP/HHT SYNDROME; JUVENILE POLYPOSIS WITH HEREDITARY HEMORRHAGIC TELANGIECTASIA; POLYPOSIS, GENERALIZED JUVENILE, WITH PULMONARY ARTERIOVENOUS MALFORMATION; TELANGIECTASIA, HEREDITARY HEMORRHAGIC, WITH JUVENILE POLYPOSIS COLI; Juvenile Polyposis Syndrome / Hereditary Hemorrhagic Telangiectasia (JPS/HHT). Identifiers: Orphanet 2929, MedGen C1832942, MONDO:0008278, OMIM 175050.

Allele frequency attached by ClinVar (database versions not stated): gnomAD exomes below 0.00001.

Submissions (3):

Myriad Genetics, Inc.
Classification: Benign for Juvenile polyposis/hereditary hemorrhagic telangiectasia syndrome. Last evaluated: 2025-03-19. Review status: criteria provided, single submitter. Criteria: Myriad Autosomal Dominant, Autosomal Recessive and X-Linked Classification Criteria (2023). Collection method: clinical testing. Allele origin: unknown.
Comment: This variant is considered benign. This variant is a silent/synonymous amino acid change and it is not expected to impact splicing.

Labcorp Genetics (formerly Invitae), Labcorp
Classification: Likely benign for Juvenile polyposis syndrome. Last evaluated: 2020-02-06. Review status: criteria provided, single submitter. Criteria: Invitae Variant Classification Sherloc (09022015). Collection method: clinical testing. Allele origin: germline.

Ambry Genetics
Classification: Likely benign for Hereditary cancer-predisposing syndrome; Familial thoracic aortic aneurysm and aortic dissection. Last evaluated: 2015-11-02. Review status: criteria provided, single submitter. Criteria: Ambry Variant Classification Scheme 2023. Collection method: clinical testing. Allele origin: germline.

NM_005359.6(SMAD4):c.723A>T (p.Ala241=)

Gene: SMAD4 (SMAD family member 4; plus strand). Cytogenetic location: 18q21.2.
Variant type: single nucleotide variant.
Coding change: c.723A>T on transcript NM_005359.6 (MANE Select); coding-DNA position 723, A replaced by T.
Protein change: p.Ala241=; no amino-acid change (alanine 241 retained).
Molecular consequence: synonymous variant.
Genome position (GRCh38, 1-based): chr18:51,058,180, A>T. VCF-style: chr18-51058180-A-T. GRCh37 (hg19) VCF-style: chr18-48584550-A-T.
Identifiers: ClinVar variation 795454 (VCV000795454.12), dbSNP rs1599189527, ClinGen allele CA503993862.